The following is an entry in ClinVar:

ClinVar aggregate classification (germline): Uncertain significance. Review status: criteria provided, multiple submitters, no conflicts (2 of 4 stars). 2 submissions from 2 submitters: Uncertain significance (2). Last evaluated 2025-08-04.

Allele frequency attached by ClinVar (database versions not stated): gnomAD exomes 0.00001 and 0.00002; ExAC 0.00003; TOPMed 0.00007; ESP Exome Variant Server 0.00008; gnomAD 0.00008 and 0.00011; 1000 Genomes Project 30x 0.00016; 1000 Genomes Project 0.00020.
gnomAD v4.1: 43 of 1,613,382 alleles (0.0027%); highest among the groups gnomAD compares: African/African-American, 0.037%; 1 homozygote.

Submissions (2):

Ambry Genetics
Classification: Uncertain significance. Last evaluated: 2025-08-04. Review status: criteria provided, single submitter. Criteria: Ambry Variant Classification Scheme 2023. Collection method: clinical testing. Allele origin: germline.

Labcorp Genetics (formerly Invitae), Labcorp
Classification: Uncertain significance. Last evaluated: 2022-07-27. Review status: criteria provided, single submitter. Criteria: Invitae Variant Classification Sherloc (09022015). Collection method: clinical testing. Allele origin: germline.
Comment: This sequence change replaces tyrosine, which is neutral and polar, with cysteine, which is neutral and slightly polar, at codon 69 of the LIPI protein (p.Tyr69Cys). This variant is present in population databases (rs200516405, gnomAD 0.04%). This variant has not been reported in the literature in individuals affected with LIPI-related conditions. ClinVar contains an entry for this variant (Variation ID: 1383095). Algorithms developed to predict the effect of missense changes on protein structure and function (SIFT, PolyPhen-2, Align-GVGD) all suggest that this variant is likely to be disruptive. In summary, the available evidence is currently insufficient to determine the role of this variant in disease. Therefore, it has been classified as a Variant of Uncertain Significance.

NM_001302998.2(LIPI):c.143A>G (p.Tyr48Cys)

Gene: LIPI (lipase I; minus strand). Cytogenetic location: 21q11.2.
Variant type: single nucleotide variant.
Coding change: c.143A>G on transcript NM_001302998.2 (MANE Select); coding-DNA position 143, A replaced by G.
Protein change: p.Tyr48Cys; replaces tyrosine 48 with cysteine.
Molecular consequence: missense variant. On other transcripts: intron variant (1).
Genome position (GRCh38, 1-based): chr21:14,189,323, T>C on the plus strand (A>G on the coding strand, the complement: LIPI is on the minus strand). VCF-style: chr21-14189323-T-C. GRCh37 (hg19) VCF-style: chr21-15561644-T-C.
Other names: c.206A>G (NM_198996.2); c.143A>G, p.Tyr48Cys (NM_001302999.2, NM_001303000.2, NM_001303001.2 and 1 more transcripts); c.8A>G, p.Tyr3Cys (NM_198996.4); c.47-7464A>G (NM_001379566.1); short protein forms Y48C, Y3C.
Identifiers: ClinVar variation 1383095 (VCV001383095.7), dbSNP rs200516405, ClinGen allele CA9979749.